The following is an entry in ClinVar:

NM_001754.5(RUNX1):c.1143_1156delinsACCTGCCG (p.Pro383_Pro386delinsAlaAla)

Gene: RUNX1 (RUNX family transcription factor 1; minus strand). Cytogenetic location: 21q22.12.
Variant type: Indel.
Coding change: c.1143_1156delinsACCTGCCG on transcript NM_001754.5 (MANE Select); coding-DNA positions 1143 to 1156, GCCGCCGCCCTACC replaced by ACCTGCCG.
Protein change: p.Pro383_Pro386delinsAlaAla.
Molecular consequence: inframe indel.
Genome position (GRCh38, 1-based): chr21:34,792,422-34,792,435, GGTAGGGCGGCGGC replaced by CGGCAGGT on the plus strand (GCCGCCGCCCTACC replaced by ACCTGCCG on the coding strand, the reverse complement: RUNX1 is on the minus strand). VCF-style: chr21-34792422-GGTAGGGCGGCGGC-CGGCAGGT. GRCh37 (hg19) VCF-style: chr21-36164719-GGTAGGGCGGCGGC-CGGCAGGT.
Other names: c.1062_1075delinsACCTGCCG, p.Pro356_Pro359delinsAlaAla (NM_001001890.3); c.1143_1156del14insACCTGCCG (NM_001754.4).
Identifiers: ClinVar variation 4629693 (VCV004629693.1).

ClinVar aggregate classification (germline): Uncertain significance (1 of 4 stars; one submission).

Conditions:
Inborn genetic diseases. Identifiers: MedGen C0950123, MeSH D030342.

Submission:

Ambry Genetics
Classification: Uncertain significance for Inborn genetic diseases. Last evaluated: 2025-10-10. Review status: criteria provided, single submitter. Criteria: Ambry Variant Classification Scheme 2023. Collection method: clinical testing. Allele origin: germline.
Comment: The c.1143_1156del14insACCTGCCG variant (also known as p.P383_P386delinsAA), located in coding exon 9 of the RUNX1 gene, results from an in-frame deletion of GCCGCCGCCCTA and insertion of ACCTGCCG at nucleotide positions 1143 to 1156. This results in the substitution of 4 amino acids for 2 amino acids at codons 383 to 386. These amino acid positions are highly conserved in available vertebrate species. In addition, this variant is predicted to be deleterious by in silico analysis (Choi Y et al. PLoS ONE. 2012; 7(10):e46688). Based on the available evidence, the clinical significance of this variant remains unclear.